The following is an entry in ClinVar:

NM_001519.4(BRF1):c.594G>A (p.Glu198=)

Gene: BRF1 (BRF1 general transcription factor IIIB subunit; minus strand). Cytogenetic location: 14q32.33.
Variant type: single nucleotide variant.
Coding change: c.594G>A on transcript NM_001519.4 (MANE Select); coding-DNA position 594, G replaced by A.
Protein change: p.Glu198=; no amino-acid change (glutamic acid 198 retained).
Molecular consequence: synonymous variant. On other transcripts: 5 prime UTR variant (1), intron variant (1).
Genome position (GRCh38, 1-based): chr14:105,241,365, C>T on the plus strand (G>A on the coding strand, the complement: BRF1 is on the minus strand). VCF-style: chr14-105241365-C-T. GRCh37 (hg19) VCF-style: chr14-105707702-C-T.
Other names: c.249G>A, p.Glu83= (NM_001242786.2, NM_001242787.2); c.513G>A, p.Glu171= (NM_001242788.2); c.-19G>A (NM_145685.3); c.-21+7784G>A (NM_001242789.2).
Identifiers: ClinVar variation 2644909 (VCV002644909.24), dbSNP rs929321013, ClinGen allele CA266507795.

ClinVar aggregate classification (germline): Likely benign (1 of 4 stars; one submission).

Allele frequency attached by ClinVar (database versions not stated): gnomAD 0.00001; gnomAD exomes 0.00006.
gnomAD v4.1: 91 of 1,612,702 alleles (0.0056%); highest among the groups gnomAD compares: Non-Finnish European, 0.0071%; no homozygotes.

Submission:

CeGaT Center for Human Genetics Tuebingen
Classification: Likely benign. Last evaluated: 2023-08-01. Review status: criteria provided, single submitter. Criteria: CeGaT Center For Human Genetics Tuebingen Variant Classification Criteria Version 2. Collection method: clinical testing. Allele origin: germline. Affected: yes. Observed: 1 variant allele.
Comment: BRF1: BP4, BP7